The following is an entry in ClinVar:

ClinVar aggregate classification (germline): Uncertain significance (1 of 4 stars; one submission).

Conditions:
Developmental and epileptic encephalopathy, 12 (DEE12). Identifiers: MedGen C3150988, MONDO:0013389, OMIM 613722.

Submission:

Labcorp Genetics (formerly Invitae), Labcorp
Classification: Uncertain significance for Developmental and epileptic encephalopathy, 12. Last evaluated: 2021-12-01. Review status: criteria provided, single submitter. Criteria: Invitae Variant Classification Sherloc (09022015). Collection method: clinical testing. Allele origin: germline.
Comment: This variant, c.691_693del, results in the deletion of 1 amino acid(s) of the PNKP protein (p.Glu231del), but otherwise preserves the integrity of the reading frame. In summary, the available evidence is currently insufficient to determine the role of this variant in disease. Therefore, it has been classified as a Variant of Uncertain Significance. Experimental studies and prediction algorithms are not available or were not evaluated, and the functional significance of this variant is currently unknown. This variant has not been reported in the literature in individuals affected with PNKP-related conditions. This variant is not present in population databases (gnomAD no frequency).

NM_007254.4(PNKP):c.688GAG[1] (p.Glu231del)

Gene: PNKP (polynucleotide kinase 3'-phosphatase; minus strand). Cytogenetic location: 19q13.33.
Variant type: Microsatellite.
Coding change: c.688GAG[1] on transcript NM_007254.4 (MANE Select); one copy of the 3-base unit GAG starting at c.688; the reference has two copies in a row; one copy, 3 bases deleted.
Protein change: p.Glu231del; deletes glutamic acid 231.
Molecular consequence: inframe deletion.
Genome position (GRCh38, 1-based): chr19:49,864,015-49,864,017, CTC deleted on the plus strand (GAG on the coding strand, the reverse complement: PNKP is on the minus strand); deleting any 3 consecutive bases within chr19:49,864,015-49,864,020 gives the same sequence; the position shown is the placement nearest the transcript's 3' end. VCF-style (leftmost placement, unchanged base first): chr19-49864014-ACTC-A. GRCh37 (hg19) VCF-style: chr19-50367271-ACTC-A.
Other names: short protein forms E231del.
Identifiers: ClinVar variation 2022379 (VCV002022379.4), dbSNP rs2074799733, ClinGen allele CA2340623975.